The following is an entry in ClinVar:

ClinVar aggregate classification (germline): Uncertain significance. Review status: criteria provided, multiple submitters, no conflicts (2 of 4 stars). 3 submissions from 3 submitters: Uncertain significance (3). Last evaluated 2024-08-26.

Conditions:
Hereditary cancer-predisposing syndrome. Also called: Hereditary neoplastic syndrome; Tumor predisposition; Neoplastic Syndromes, Hereditary; Hereditary Cancer Syndrome. Identifiers: Orphanet 140162, MedGen C0027672, MeSH D009386, MONDO:0015356.
Neuroblastoma, susceptibility to, 2. Identifiers: Orphanet 635, MedGen C2751682, MONDO:0700041, OMIM 613013.
Haddad syndrome (OHD). Also called: Ondine-Hirschsprung disease. Identifiers: Orphanet 99803, MedGen C1859049, MONDO:0020493.

gnomAD v4.1: 3 of 1,256,034 alleles (0.00024%); highest among the groups gnomAD compares: African/African-American, 0.0016%; no homozygotes.

Submissions (3):

Ambry Genetics
Classification: Uncertain significance for Hereditary cancer-predisposing syndrome. Last evaluated: 2024-08-26. Review status: criteria provided, single submitter. Criteria: Ambry Variant Classification Scheme 2023. Collection method: clinical testing. Allele origin: germline.
Comment: The p.A257V variant (also known as c.770C>T), located in coding exon 3 of the PHOX2B gene, results from a C to T substitution at nucleotide position 770. The alanine at codon 257 is replaced by valine, an amino acid with similar properties. This amino acid position is conserved. In addition, the in silico prediction for this alteration is inconclusive. Since supporting evidence is limited at this time, the clinical significance of this alteration remains unclear.

Baylor Genetics
Classification: Uncertain significance for Neuroblastoma, susceptibility to, 2. Last evaluated: 2024-03-22. Review status: criteria provided, single submitter. Criteria: ACMG Guidelines, 2015. Collection method: clinical testing. Allele origin: unknown.

Labcorp Genetics (formerly Invitae), Labcorp
Classification: Uncertain significance for Haddad syndrome. Last evaluated: 2023-02-16. Review status: criteria provided, single submitter. Criteria: Invitae Variant Classification Sherloc (09022015). Collection method: clinical testing. Allele origin: germline.
Comment: In summary, the available evidence is currently insufficient to determine the role of this variant in disease. Therefore, it has been classified as a Variant of Uncertain Significance. Experimental studies and prediction algorithms are not available or were not evaluated, and the functional significance of this variant is currently unknown. ClinVar contains an entry for this variant (Variation ID: 1346897). This variant has not been reported in the literature in individuals affected with PHOX2B-related conditions. This variant is not present in population databases (gnomAD no frequency). This sequence change replaces alanine, which is neutral and non-polar, with valine, which is neutral and non-polar, at codon 257 of the PHOX2B protein (p.Ala257Val).

NM_003924.4(PHOX2B):c.770C>T (p.Ala257Val)

Genes: PHOX2B (paired like homeobox 2B; minus strand), LOC110011216 (paired like homeobox 2b polyalanine repeat instability region; plus strand). Cytogenetic location: 4p13.
Variant type: single nucleotide variant.
Coding change: c.770C>T on transcript NM_003924.4 (MANE Select); coding-DNA position 770, C replaced by T.
Protein change: p.Ala257Val; replaces alanine 257 with valine.
Molecular consequence: missense variant.
Genome position (GRCh38, 1-based): chr4:41,745,982, G>A on the plus strand (C>T on the coding strand, the complement: PHOX2B is on the minus strand). VCF-style: chr4-41745982-G-A. GRCh37 (hg19) VCF-style: chr4-41747999-G-A.
Other names: short protein forms A257V.
Identifiers: ClinVar variation 1346897 (VCV001346897.12), dbSNP rs2153112760, ClinGen allele CA356737165.